The following is an entry in ClinVar:

NM_130849.4(SLC39A4):c.1023_1475-7del

Gene: SLC39A4 (solute carrier family 39 member 4; minus strand). Cytogenetic location: 8q24.3.
Variant type: Deletion.
Coding change: c.1023_1475-7del on transcript NM_130849.4 (MANE Select); coding-DNA position 1023 through 7 bases into the intron before coding-DNA position 1475, 993 bases deleted.
Molecular consequence: splice acceptor variant, splice donor variant.
Genome position (GRCh38, 1-based): chr8:144,413,396-144,414,388, 993 bases deleted. GRCh37 (hg19): chr8:145,638,790-145,639,782.
Other names: c.741_1193-7del (NM_001374839.1); c.948_1400-7del (NM_017767.3).
Identifiers: ClinVar variation 2229680 (VCV002229680.2), ClinGen allele CA2580078692.

ClinVar aggregate classification (germline): Pathogenic (1 of 4 stars; one submission).

Conditions:
Inborn genetic diseases. Identifiers: MedGen C0950123, MeSH D030342.

Submission:

Ambry Genetics
Classification: Pathogenic for Inborn genetic diseases. Last evaluated: 2021-03-11. Review status: criteria provided, single submitter. Criteria: Ambry Variant Classification Scheme 2023. Collection method: clinical testing. Allele origin: germline.
Comment: The c.1023_1475-7del gross deletion spans a portion of coding exon 6 through coding exon 9 of the SLC39A4 gene. The resulting transcript is predicted to preserve the reading frame and is not expected to trigger nonsense-mediated mRNAdecay. However, gross deletions are typically deleterious in nature and a significant portion of the protein is affected. Based on the available evidence, this alteration is classified as pathogenic.